The following is an entry in ClinVar:

ClinVar aggregate classification (germline): Uncertain significance. Review status: criteria provided, multiple submitters, no conflicts (2 of 4 stars). 2 submissions from 2 submitters: Uncertain significance (2). Last evaluated 2025-02-17.

Conditions:
Cardiovascular phenotype. Identifiers: MedGen CN230736.

Allele frequency attached by ClinVar (database versions not stated): gnomAD exomes below 0.00001; gnomAD 0.00001; TOPMed 0.00002.
gnomAD v4.1: 5 of 1,612,754 alleles (0.00031%); highest among the groups gnomAD compares: Admixed American, 0.0033%; no homozygotes.

Submissions (2):

Labcorp Genetics (formerly Invitae), Labcorp
Classification: Uncertain significance. Last evaluated: 2025-02-17. Review status: criteria provided, single submitter. Criteria: Invitae Variant Classification Sherloc (09022015). Collection method: clinical testing. Allele origin: germline.
Comment: This sequence change replaces asparagine, which is neutral and polar, with histidine, which is basic and polar, at codon 125 of the LMF1 protein (p.Asn125His). This variant is not present in population databases (gnomAD no frequency). This variant has not been reported in the literature in individuals affected with LMF1-related conditions. ClinVar contains an entry for this variant (Variation ID: 1463558). An algorithm developed to predict the effect of missense changes on protein structure and function (PolyPhen-2) suggests that this variant is likely to be tolerated. In summary, the available evidence is currently insufficient to determine the role of this variant in disease. Therefore, it has been classified as a Variant of Uncertain Significance.

Ambry Genetics
Classification: Uncertain significance for Cardiovascular phenotype. Last evaluated: 2021-08-12. Review status: criteria provided, single submitter. Criteria: Ambry Variant Classification Scheme 2023. Collection method: clinical testing. Allele origin: germline.
Comment: The p.N125H variant (also known as c.373A>C), located in coding exon 2 of the LMF1 gene, results from an A to C substitution at nucleotide position 373. The asparagine at codon 125 is replaced by histidine, an amino acid with similar properties. This amino acid position is conserved. In addition, this alteration is predicted to be tolerated by in silico analysis. Since supporting evidence is limited at this time, the clinical significance of this alteration remains unclear.

NM_022773.4(LMF1):c.373A>C (p.Asn125His)

Gene: LMF1 (lipase maturation factor 1; minus strand). Cytogenetic location: 16p13.3.
Variant type: single nucleotide variant.
Coding change: c.373A>C on transcript NM_022773.4 (MANE Select); coding-DNA position 373, A replaced by C.
Protein change: p.Asn125His; replaces asparagine 125 with histidine.
Molecular consequence: missense variant. On other transcripts: 5 prime UTR variant (3), non-coding transcript variant (1).
Genome position (GRCh38, 1-based): chr16:954,487, T>G on the plus strand (A>C on the coding strand, the complement: LMF1 is on the minus strand). VCF-style: chr16-954487-T-G. GRCh37 (hg19) VCF-style: chr16-1004487-T-G.
Other names: c.-431A>C (NM_001352017.2); c.-182A>C (NM_001352018.2); c.46A>C, p.Asn16His (NM_001352019.2); c.373A>C, p.Asn125His (NM_001352020.1); c.-333A>C (NM_001352021.2); short protein forms N125H, N16H.
Identifiers: ClinVar variation 1463558 (VCV001463558.10), dbSNP rs1323912190, ClinGen allele CA394104640.
Genomic context (GRCh38, chr16:954,487, plus strand): 5'-AGCCCGTGATCAGTACGAAAGACGAGATGCCCAGTCCGAGAAGAGCCAGCAAGTCCAGGT[T>G]GGAGTTCATGTCTGACCAGTCCATCAGCCAGAGGATGGTGGGCATGTAGCTGAAGACTTC-3'
Protein context (NP_073610.2, residues 115-135): WLMDWSDMNS[Asn125His]LDLLALLGLG